The following is an entry in ClinVar:

ClinVar aggregate classification (germline): Uncertain significance. Review status: criteria provided, multiple submitters, no conflicts (2 of 4 stars). 3 submissions from 3 submitters: Uncertain significance (3). Last evaluated 2025-02-18.

Conditions:
ADGRV1-related disorder. Also called: ADGRV1-related condition; ADGRV1-related disorders.

Allele frequency attached by ClinVar (database versions not stated): gnomAD exomes below 0.00001; TOPMed below 0.00001; gnomAD 0.00001.
gnomAD v4.1: 33 of 1,607,504 alleles (0.0021%); highest among the groups gnomAD compares: Non-Finnish European, 0.0027%; no homozygotes.

Submissions (3):

PreventionGenetics, part of Exact Sciences
Classification: Uncertain significance for ADGRV1-related condition. Last evaluated: 2025-02-18. Review status: criteria provided, single submitter. Criteria: ACMG Guidelines, 2015. Collection method: clinical testing. Allele origin: germline.
Comment: The ADGRV1 c.1166C>T variant is predicted to result in the amino acid substitution p.Pro389Leu. To our knowledge, this variant has not been reported in the literature. This variant has been reported in the compound heterozygous state with a second ADGRV1 variant in two siblings with sensorineural hearing loss (Internal Data, PreventionGenetics). In ClinVar, an outside laboratory has observed this variant in trans with a pathogenic variant in an individual with hearing loss. This variant is reported in 0.00090% of alleles in individuals of European (Non-Finnish) descent in gnomAD. Although we suspect that this variant may be pathogenic, at this time, the clinical significance of this variant is uncertain due to the absence of conclusive functional and genetic evidence.

GeneDx
Classification: Uncertain significance. Last evaluated: 2023-01-13. Review status: criteria provided, single submitter. Criteria: GeneDx Variant Classification Process June 2021. Collection method: clinical testing. Allele origin: germline. Affected: yes.
Comment: Not observed at significant frequency in large population cohorts (gnomAD); In silico analysis supports that this missense variant has a deleterious effect on protein structure/function; Has not been previously published as pathogenic or benign to our knowledge

Labcorp Genetics (formerly Invitae), Labcorp
Classification: Uncertain significance. Last evaluated: 2022-09-27. Review status: criteria provided, single submitter. Criteria: Invitae Variant Classification Sherloc (09022015). Collection method: clinical testing. Allele origin: germline.
Comment: This sequence change replaces proline, which is neutral and non-polar, with leucine, which is neutral and non-polar, at codon 389 of the ADGRV1 protein (p.Pro389Leu). This variant is present in population databases (no rsID available, gnomAD 0.0009%). This missense change has been observed in individual(s) with deafness (Invitae). In at least one individual the data is consistent with being in trans (on the opposite chromosome) from a pathogenic variant. ClinVar contains an entry for this variant (Variation ID: 1516756). Algorithms developed to predict the effect of missense changes on protein structure and function are either unavailable or do not agree on the potential impact of this missense change (SIFT: "Deleterious"; PolyPhen-2: "Possibly Damaging"; Align-GVGD: "Class C0"). In summary, the available evidence is currently insufficient to determine the role of this variant in disease. Therefore, it has been classified as a Variant of Uncertain Significance.

NM_032119.4(ADGRV1):c.1166C>T (p.Pro389Leu)

Gene: ADGRV1 (adhesion G protein-coupled receptor V1; plus strand). Cytogenetic location: 5q14.3.
Variant type: single nucleotide variant.
Coding change: c.1166C>T on transcript NM_032119.4 (MANE Select); coding-DNA position 1166, C replaced by T.
Protein change: p.Pro389Leu; replaces proline 389 with leucine.
Molecular consequence: missense variant. On other transcripts: non-coding transcript variant (1).
Genome position (GRCh38, 1-based): chr5:90,627,704, C>T. VCF-style: chr5-90627704-C-T. GRCh37 (hg19) VCF-style: chr5-89923521-C-T.
Other names: c.1166C>T (NM_032119.3); short protein forms P389L.
Identifiers: ClinVar variation 1516756 (VCV001516756.6), dbSNP rs1460319427, ClinGen allele CA360370039.